The following is an entry in ClinVar:

ClinVar aggregate classification (germline): Uncertain significance (1 of 4 stars; one submission).

Submission:

Women's Health and Genetics/Laboratory Corporation of America, LabCorp
Classification: Uncertain significance. Last evaluated: 2025-02-12. Review status: criteria provided, single submitter. Criteria: LabCorp Variant Classification Summary - May 2015. Collection method: clinical testing. Allele origin: germline.
Comment: Variant summary: PKHD1 c.1487_1492dupGAGCCC (p.Arg496_Ala497dup) results in an in-frame duplication that is predicted to duplicate two amino acids into the encoded protein. The variant was absent in 251206 control chromosomes. The available data on variant occurrences in the general population are insufficient to allow any conclusion about variant significance. c.1487_1492dupGAGCCC has been reported in the literature in at-least one individual affected with Polycystic Kidney Disease (example: Denamur_2010, Iorio_2020). These data do not allow any conclusion about variant significance. To our knowledge, no experimental evidence demonstrating an impact on protein function has been reported. The following publications have been ascertained in the context of this evaluation (PMID: 19940839, 32040628). No submitters have cited clinical-significance assessments for this variant to ClinVar. Based on the evidence outlined above, the variant was classified as uncertain significance.

Literature cited by the submitters: PubMed 19940839; PubMed 32040628.

NM_138694.4(PKHD1):c.1487_1492dup (p.Ala497_Gln498insArgAla)

Gene: PKHD1 (PKHD1 ciliary IPT domain containing fibrocystin/polyductin; minus strand). Cytogenetic location: 6p12.2.
Variant type: Duplication.
Coding change: c.1487_1492dup on transcript NM_138694.4 (MANE Select); coding-DNA positions 1487 to 1492, 6 bases duplicated (GAGCCC; older notation c.1487_1492dupGAGCCC).
Protein change: p.Ala497_Gln498insArgAla.
Genome position (GRCh38, 1-based): chr6:52,058,343-52,058,348, GGGCTC duplicated on the plus strand (GAGCCC on the coding strand, the reverse complement: PKHD1 is on the minus strand); duplicating any 6 consecutive bases within chr6:52,058,343-52,058,350 gives the same sequence; the c. name uses the placement nearest the transcript's 3' end. VCF-style (leftmost placement, unchanged base first): chr6-52058342-T-TGGGCTC. GRCh37 (hg19) VCF-style: chr6-51923140-T-TGGGCTC.
Other names: c.1487_1492dup, p.Ala497_Gln498insArgAla (NM_170724.3); c.1487_1492dupGAGCCC (NM_138694.4).
Identifiers: ClinVar variation 3768583 (VCV003768583.1).